The following is an entry in ClinVar:

NM_017547.4(FOXRED1):c.277C>T (p.Arg93Ter)

Gene: FOXRED1 (FAD dependent oxidoreductase domain containing 1; plus strand). Cytogenetic location: 11q24.2.
Variant type: single nucleotide variant.
Coding change: c.277C>T on transcript NM_017547.4 (MANE Select); coding-DNA position 277, C replaced by T.
Protein change: p.Arg93Ter; replaces arginine 93 with a stop codon.
Molecular consequence: nonsense. On other transcripts: non-coding transcript variant (1).
Genome position (GRCh38, 1-based): chr11:126,271,628, C>T. VCF-style: chr11-126271628-C-T. GRCh37 (hg19) VCF-style: chr11-126141523-C-T.
Other names: c.277C>T, p.Arg93Ter (NM_001425160.1, NM_001425161.1, NM_001425163.1 and 4 more transcripts); c.-254C>T (NM_001425169.1); c.-234C>T (NM_001425170.1); c.-281C>T (NM_001425171.1); c.-262C>T (NM_001425174.1, NM_001425175.1); short protein forms R93*.
Identifiers: ClinVar variation 2806130 (VCV002806130.3), dbSNP rs754383840, ClinGen allele CA6354017.

ClinVar aggregate classification (germline): Pathogenic (1 of 4 stars; one submission).

Allele frequency attached by ClinVar (database versions not stated): gnomAD 0.00001.

Submission:

Labcorp Genetics (formerly Invitae), Labcorp
Classification: Pathogenic. Last evaluated: 2025-11-22. Review status: criteria provided, single submitter. Criteria: Invitae Variant Classification Sherloc (09022015). Collection method: clinical testing. Allele origin: germline.
Comment: This sequence change creates a premature translational stop signal (p.Arg93*) in the FOXRED1 gene. It is expected to result in an absent or disrupted protein product. Loss-of-function variants in FOXRED1 are known to be pathogenic (PMID: 20818383, 20858599). This variant is present in population databases (rs754383840, gnomAD 0.006%). This variant has not been reported in the literature in individuals affected with FOXRED1-related conditions. ClinVar contains an entry for this variant (Variation ID: 2806130). Algorithms developed to predict the effect of sequence changes on RNA splicing suggest that this variant may disrupt the consensus splice site. For these reasons, this variant has been classified as Pathogenic.

Literature cited by the submitters: PubMed 20818383; PubMed 20858599.